The following is an entry in ClinVar:

ClinVar aggregate classification (germline): Conflicting classifications of pathogenicity. Review status: criteria provided, conflicting classifications (1 of 4 stars). 5 submissions from 5 submitters: Uncertain significance (3); Likely benign (2). Last evaluated 2024-07-08.

Conditions:
Hereditary breast ovarian cancer syndrome. Also called: Hereditary breast and ovarian cancer syndrome; BRCA1- and BRCA2-Associated Hereditary Breast and Ovarian Cancer; Hereditary breast and ovarian cancer; Hereditary breast and ovarian cancer syndrome (HBOC); Breast and ovarian cancer; Hereditary breast and/or ovarian cancer syndrome. Identifiers: Orphanet 145, MedGen C0677776, MeSH D061325, MONDO:0003582. Disease mechanism: loss of function.
Hereditary cancer-predisposing syndrome. Also called: Neoplastic Syndromes, Hereditary; Tumor predisposition; Hereditary Cancer Syndrome; Hereditary neoplastic syndrome. Identifiers: Orphanet 140162, MedGen C0027672, MeSH D009386, MONDO:0015356.

Allele frequency attached by ClinVar (database versions not stated): gnomAD exomes below 0.00001 and 0.00001; ExAC 0.00001.
gnomAD v4.1: 3 of 1,601,940 alleles (0.00019%); highest among the groups gnomAD compares: Non-Finnish European, 0.00026%; no homozygotes.

Submissions (5):

Labcorp Genetics (formerly Invitae), Labcorp
Classification: Uncertain significance for Hereditary breast ovarian cancer syndrome. Last evaluated: 2024-07-08. Review status: criteria provided, single submitter. Criteria: Invitae Variant Classification Sherloc (09022015). Collection method: clinical testing. Allele origin: germline.
Comment: This sequence change replaces serine, which is neutral and polar, with isoleucine, which is neutral and non-polar, at codon 1722 of the BRCA2 protein (p.Ser1722Ile). This variant is present in population databases (rs773707172, gnomAD 0.0009%). This variant has not been reported in the literature in individuals affected with BRCA2-related conditions. ClinVar contains an entry for this variant (Variation ID: 925928). Advanced modeling of protein sequence and biophysical properties (such as structural, functional, and spatial information, amino acid conservation, physicochemical variation, residue mobility, and thermodynamic stability) performed at Invitae indicates that this missense variant is not expected to disrupt BRCA2 protein function with a negative predictive value of 95%. In summary, the available evidence is currently insufficient to determine the role of this variant in disease. Therefore, it has been classified as a Variant of Uncertain Significance.

Ambry Genetics
Classification: Likely benign for Hereditary cancer-predisposing syndrome. Last evaluated: 2024-06-24. Review status: criteria provided, single submitter. Criteria: Ambry Variant Classification Scheme 2023. Collection method: clinical testing. Allele origin: germline.

Color Diagnostics, LLC DBA Color Health
Classification: Uncertain significance for Hereditary cancer-predisposing syndrome. Last evaluated: 2023-12-05. Review status: criteria provided, single submitter. Criteria: ACMG Guidelines, 2015. Collection method: clinical testing. Allele origin: germline.
Comment: This missense variant replaces serine with isoleucine at codon 1722 of the BRCA2 protein. Computational prediction suggests that this variant may not impact protein structure and function (internally defined REVEL score threshold <= 0.5, PMID: 27666373). To our knowledge, functional studies have not been reported for this variant. This variant has not been reported in individuals affected with BRCA2-related disorders in the literature. This variant has been identified in 2/241588 chromosomes in the general population by the Genome Aggregation Database (gnomAD). The available evidence is insufficient to determine the role of this variant in disease conclusively. Therefore, this variant is classified as a Variant of Uncertain Significance.

University of Washington Department of Laboratory Medicine, University of Washington
Classification: Likely benign for Hereditary cancer-predisposing syndrome. Last evaluated: 2023-03-23. Review status: criteria provided, single submitter. Criteria: Dines et al. (Genet Med. 2020). Collection method: curation. Allele origin: germline.
Comment: Missense variant in a coldspot region where missense variants are very unlikely to be pathogenic (PMID:31911673).

BRCA2 exon 11 coldspot. Reclassification based on statistical prior probability.

Quest Diagnostics Nichols Institute San Juan Capistrano
Classification: Uncertain significance. Last evaluated: 2019-10-21. Review status: criteria provided, single submitter. Criteria: Quest Diagnostics criteria. Collection method: clinical testing. Allele origin: unknown.

NM_000059.4(BRCA2):c.5165G>T (p.Ser1722Ile)

Gene: BRCA2 (BRCA2 DNA repair associated; plus strand). Cytogenetic location: 13q13.1.
Variant type: single nucleotide variant.
Coding change: c.5165G>T on transcript NM_000059.4 (MANE Select); coding-DNA position 5165, G replaced by T.
Protein change: p.Ser1722Ile; replaces serine 1722 with isoleucine.
Molecular consequence: missense variant.
Genome position (GRCh38, 1-based): chr13:32,339,520, G>T. VCF-style: chr13-32339520-G-T. GRCh37 (hg19) VCF-style: chr13-32913657-G-T.
Other names: short protein forms S1722I.
Identifiers: ClinVar variation 925928 (VCV000925928.16), dbSNP rs773707172, ClinGen allele CA6940851.